The following is an entry in ClinVar:

NM_007373.4(SHOC2):c.333T>C (p.Ser111=)

Gene: SHOC2 (SHOC2 leucine rich repeat scaffold protein; plus strand). Cytogenetic location: 10q25.2.
Variant type: single nucleotide variant.
Coding change: c.333T>C on transcript NM_007373.4 (MANE Select); coding-DNA position 333, T replaced by C.
Protein change: p.Ser111=; no amino-acid change (serine 111 retained).
Molecular consequence: synonymous variant.
Genome position (GRCh38, 1-based): chr10:110,964,691, T>C. VCF-style: chr10-110964691-T-C. GRCh37 (hg19) VCF-style: chr10-112724449-T-C.
Other names: c.333T>C, p.Ser111= (NM_001269039.3, NM_001324336.2, NM_001324337.2).
Identifiers: ClinVar variation 514518 (VCV000514518.9), dbSNP rs758161464, ClinGen allele CA5689577.

ClinVar aggregate classification (germline): Likely benign. Review status: criteria provided, multiple submitters, no conflicts (2 of 4 stars). 3 submissions from 3 submitters: Likely benign (3). Last evaluated 2025-06-01.

Conditions:
RASopathy. Also called: rasopathies; Noonan spectrum disorder. Identifiers: Orphanet 536391, MedGen C5555857, MONDO:0021060.

Allele frequency attached by ClinVar (database versions not stated): gnomAD exomes 0.00001; ExAC 0.00002.
gnomAD v4.1: 5 of 1,614,168 alleles (0.00031%); highest among the groups gnomAD compares: Non-Finnish European, 0.00042%; no homozygotes.

Submissions (3):

Labcorp Genetics (formerly Invitae), Labcorp
Classification: Likely benign for RASopathy. Last evaluated: 2025-06-01. Review status: criteria provided, single submitter. Criteria: Invitae Variant Classification Sherloc (09022015). Collection method: clinical testing. Allele origin: germline.

Women's Health and Genetics/Laboratory Corporation of America, LabCorp
Classification: Likely benign. Last evaluated: 2024-04-21. Review status: criteria provided, single submitter. Criteria: LabCorp Variant Classification Summary - May 2015. Collection method: clinical testing. Allele origin: germline.

GeneDx
Classification: Likely benign. Last evaluated: 2017-12-29. Review status: criteria provided, single submitter. Criteria: GeneDx Variant Classification (06012015). Collection method: clinical testing. Allele origin: germline. Affected: yes.
Comment: This variant is considered likely benign or benign based on one or more of the following criteria: it is a conservative change, it occurs at a poorly conserved position in the protein, it is predicted to be benign by multiple in silico algorithms, and/or has population frequency not consistent with disease.